The following is an entry in ClinVar:

ClinVar aggregate classification (germline): Uncertain significance. Review status: criteria provided, multiple submitters, no conflicts (2 of 4 stars). 2 submissions from 2 submitters: Uncertain significance (2). Last evaluated 2025-06-11.

Conditions:
Cardiomyopathy (CMYO). Also called: Cardiomyopathies. Identifiers: Orphanet 167848, MedGen C0878544, MONDO:0004994, HP:0001638. Inheritance: Various modes of inheritance.
Hypertrophic cardiomyopathy 11. Also called: ACTC1-Related Familial Hypertrophic Cardiomyopathy. Identifiers: MedGen C2677506, MONDO:0012799, OMIM 612098.
Dilated cardiomyopathy 1R (CMD1R). Identifiers: Orphanet 154, Orphanet 54260, MedGen C3150681, MONDO:0013261, OMIM 613424.
Atrial septal defect 5 (ASD5). Identifiers: Orphanet 1478, MedGen C2748552, MONDO:0013011, OMIM 612794.

Allele frequency attached by ClinVar (database versions not stated): ExAC 0.00001; gnomAD exomes 0.00001; TOPMed 0.00001.
gnomAD v4.1: 2 of 1,613,968 alleles (0.00012%); highest among the groups gnomAD compares: Admixed American, 0.0033%; no homozygotes.

Submissions (2):

Color Diagnostics, LLC DBA Color Health
Classification: Uncertain significance for Cardiomyopathy. Last evaluated: 2025-06-11. Review status: criteria provided, single submitter. Criteria: ACMG Guidelines, 2015. Collection method: clinical testing. Allele origin: germline.
Comment: This variant causes a G to C nucleotide substitution at the +5 position of intron 3 of the ACTC1 gene. To our knowledge, functional studies have not been reported for this variant. This variant has not been reported in individuals affected with ACTC1-related disorders in the literature. This variant has been identified in 2/251208 chromosomes in the general population by the Genome Aggregation Database (gnomAD). The available evidence is insufficient to determine the role of this variant in disease conclusively. Therefore, this variant is classified as a Variant of Uncertain Significance.

Labcorp Genetics (formerly Invitae), Labcorp
Classification: Uncertain significance for Dilated cardiomyopathy 1R; Hypertrophic cardiomyopathy 11; Atrial septal defect 5. Last evaluated: 2023-04-20. Review status: criteria provided, single submitter. Criteria: Invitae Variant Classification Sherloc (09022015). Collection method: clinical testing. Allele origin: germline.
Comment: In summary, the available evidence is currently insufficient to determine the role of this variant in disease. Therefore, it has been classified as a Variant of Uncertain Significance. Variants that disrupt the consensus splice site are a relatively common cause of aberrant splicing (PMID: 17576681, 9536098). Algorithms developed to predict the effect of sequence changes on RNA splicing suggest that this variant may create or strengthen a splice site. ClinVar contains an entry for this variant (Variation ID: 1172249). This variant has not been reported in the literature in individuals affected with ACTC1-related conditions. This variant is present in population databases (rs756249146, gnomAD 0.006%). This sequence change falls in intron 3 of the ACTC1 gene. It does not directly change the encoded amino acid sequence of the ACTC1 protein. It affects a nucleotide within the consensus splice site.

Literature cited by the submitters: PubMed 17576681 (cited by Labcorp Genetics (formerly Invitae), Labcorp); PubMed 9536098 (cited by Labcorp Genetics (formerly Invitae), Labcorp).

NM_005159.5(ACTC1):c.454+5G>C

Genes: GJD2-DT (GJD2 divergent transcript; plus strand), ACTC1 (actin alpha cardiac muscle 1; minus strand). Cytogenetic location: 15q14.
Variant type: single nucleotide variant.
Coding change: c.454+5G>C on transcript NM_005159.5 (MANE Select); 5 bases into the intron after coding-DNA position 454, G replaced by C.
Molecular consequence: intron variant.
Genome position (GRCh38, 1-based): chr15:34,793,240, C>G on the plus strand (G>C on the coding strand, the complement: ACTC1 is on the minus strand). VCF-style: chr15-34793240-C-G. GRCh37 (hg19) VCF-style: chr15-35085441-C-G.
Identifiers: ClinVar variation 1172249 (VCV001172249.6), dbSNP rs756249146, ClinGen allele CA041876.
Genomic context (GRCh38, chr15:34,793,240, plus strand): 5'-TTCACAGCAAGGTCGGTGACTTGGGAATGTGATTCATCAGTAACTGTCCCCAGAGCCCAG[C>G]ATACCTGTGGTACGGCCAGAAGCATACAGGGATAGCACTGCCTGGATGGCCACGTACATG-3'